The following is an entry in ClinVar:

NM_000642.3(AGL):c.40G>T (p.Glu14Ter)

Gene: AGL (amylo-alpha-1,6-glucosidase and 4-alpha-glucanotransferase; plus strand). Cytogenetic location: 1p21.2.
Variant type: single nucleotide variant.
Coding change: c.40G>T on transcript NM_000642.3 (MANE Select); coding-DNA position 40, G replaced by T.
Protein change: p.Glu14Ter; replaces glutamic acid 14 with a stop codon.
Molecular consequence: nonsense. On other transcripts: 5 prime UTR variant (1).
Genome position (GRCh38, 1-based): chr1:99,851,082, G>T. VCF-style: chr1-99851082-G-T. GRCh37 (hg19) VCF-style: chr1-100316638-G-T.
Other names: c.40G>T, p.Glu14Ter (NM_000028.3, NM_000643.3, NM_000644.3 and 6 more transcripts); c.-152G>T (NM_000646.3); short protein forms E14*.
Identifiers: ClinVar variation 3667946 (VCV003667946.2).
Genomic context (GRCh38, chr1:99,851,082, plus strand): 5'-TCAAATCCTCTAGAAGCCAAAATGGGACACAGTAAACAGATTCGAATTTTACTTCTGAAC[G>T]AAATGGAGAAACTGGAAAAGACCCTCTTCAGACTTGAACAAGGTCAGTAGCAAGTTGTTT-3'

ClinVar aggregate classification (germline): Pathogenic (1 of 4 stars; one submission).

Conditions:
Glycogen storage disease type III (GSD3). Also called: FORBES DISEASE; Cori disease. Identifiers: Orphanet 366, MedGen C0017922, MONDO:0009291, OMIM 232400.

Submission:

Labcorp Genetics (formerly Invitae), Labcorp
Classification: Pathogenic for Glycogen storage disease type III. Last evaluated: 2024-03-21. Review status: criteria provided, single submitter. Criteria: Invitae Variant Classification Sherloc (09022015). Collection method: clinical testing. Allele origin: germline.
Comment: This sequence change creates a premature translational stop signal (p.Glu14*) in the AGL gene. It is expected to result in an absent or disrupted protein product. Loss-of-function variants in AGL are known to be pathogenic (PMID: 19299494). This variant is not present in population databases (gnomAD no frequency). This variant has not been reported in the literature in individuals affected with AGL-related conditions. For these reasons, this variant has been classified as Pathogenic.

Literature cited by the submitters: PubMed 19299494.